The following is an entry in ClinVar:

NM_004628.5(XPC):c.2T>G (p.Met1Arg)

Genes: XPC (XPC complex subunit, DNA damage recognition and repair factor; minus strand), LOC129936244 (ATAC-STARR-seq lymphoblastoid active region 19500; plus strand). Cytogenetic location: 3p25.1.
Variant type: single nucleotide variant.
Coding change: c.2T>G on transcript NM_004628.5 (MANE Select); coding-DNA position 2, T replaced by G.
Protein change: p.Met1Arg; changes the start codon (methionine 1).
Molecular consequence: missense variant, initiator codon variant. On other transcripts: 5 prime UTR variant (1), non-coding transcript variant (2).
Genome position (GRCh38, 1-based): chr3:14,178,567, A>C on the plus strand (T>G on the coding strand, the complement: XPC is on the minus strand). VCF-style: chr3-14178567-A-C. GRCh37 (hg19) VCF-style: chr3-14220067-A-C.
Other names: c.-454T>G (NM_001354726.2); c.2T>G, p.Met1Arg (NM_001354727.2, NM_001354729.2, NM_001354730.2); short protein forms M1R.
Identifiers: ClinVar variation 1066146 (VCV001066146.10), dbSNP rs760324503, ClinGen allele CA2267847.
Genomic context (GRCh38, chr3:14,178,567, plus strand): 5'-GATTTCTGGCTGCGCAGTTCGCGTCCCCGCGGCTCCCCGCCGGCCGCGCGTTTCCGAGCC[A>C]TGTTGCTTGTCTGGGCAAATTCCACTTCGCGAGTGACGCACCCGGCCGCGATGCGCTAGA-3'
Protein context (NP_004619.3, residues 1-11): [Met1Arg]ARKRAAGGEP

ClinVar aggregate classification (germline): Pathogenic. Review status: criteria provided, multiple submitters, no conflicts (2 of 4 stars). 2 submissions from 2 submitters: Pathogenic (2). Last evaluated 2025-10-20.

Conditions:
Xeroderma pigmentosum (XP). Identifiers: Orphanet 910, MedGen C0043346, MONDO:0019600.

Allele frequency attached by ClinVar (database versions not stated): ExAC 0.00002.

Submissions (2):

Labcorp Genetics (formerly Invitae), Labcorp
Classification: Pathogenic. Last evaluated: 2025-10-20. Review status: criteria provided, single submitter. Criteria: Invitae Variant Classification Sherloc (09022015). Collection method: clinical testing. Allele origin: germline.
Comment: This sequence change affects the initiator codon of the XPC mRNA. This change may impact translation initiation or efficiency. The next in-frame methionine is located at codon 118. This variant is present in population databases (rs760324503, gnomAD 0.002%). Disruption of the initiator codon has been observed in individual(s) with xeroderma pigmentosum (PMID: 18955168). ClinVar contains an entry for this variant (Variation ID: 1066146). Algorithms developed to predict the effect of variants on gene product structure and function are not available or were not evaluated for this variant. Experimental studies have shown that disruption of the initiator codon affects XPC function (PMID: 18955168). For these reasons, this variant has been classified as Pathogenic.

Women's Health and Genetics/Laboratory Corporation of America, LabCorp
Classification: Pathogenic for Xeroderma pigmentosum. Last evaluated: 2024-10-23. Review status: criteria provided, single submitter. Criteria: LabCorp Variant Classification Summary - May 2015. Collection method: clinical testing. Allele origin: germline.
Comment: Variant summary: XPC c.2T>G (p.Met1Arg) alters the initiation codon and is predicted to result either in absence of the protein or truncation of the encoded protein due to translation initiation at a downstream codon. Three of four in-silico tools predict a damaging effect of the variant on protein function. The variant allele was found at a frequency of 8.1e-06 in 247836 control chromosomes. c.2T>G has been reported in the literature in two homozygous individuals affected with Xeroderma Pigmentosum (Khan_2009). These data indicate that the variant is likely to be associated with disease. At least one publication reports experimental evidence evaluating an impact on protein function. The most pronounced variant effect results in very low levels of messanger RNA and essentially no protein production in patient-derived fibroblasts; furthermore, there was no functional XPC activity in cells as revealed by the failure of localization of XPC and other NER proteins at the sites of UV-induced DNA damage in a sensitive in vivo immunofluorescence assay. ClinVar contains an entry for this variant (Variation ID: 1066146). Based on the evidence outlined above, the variant was classified as pathogenic. The next in-frame methionine is located at codon 118.

Literature cited by the submitters: PubMed 18955168 (cited by Labcorp Genetics (formerly Invitae), Labcorp and Women's Health and Genetics/Laboratory Corporation of America, LabCorp).